The following is an entry in ClinVar:

NM_001369369.1(FOXN1):c.974T>C (p.Leu325Pro)

Gene: FOXN1 (forkhead box N1; plus strand). Cytogenetic location: 17q11.2.
Variant type: single nucleotide variant.
Coding change: c.974T>C on transcript NM_001369369.1 (MANE Select); coding-DNA position 974, T replaced by C.
Protein change: p.Leu325Pro; replaces leucine 325 with proline.
Molecular consequence: missense variant.
Genome position (GRCh38, 1-based): chr17:28,534,377, T>C. VCF-style: chr17-28534377-T-C. GRCh37 (hg19) VCF-style: chr17-26861395-T-C.
Other names: NM_001369369.1(FOXN1):c.974T>C; p.Leu325Pro; c.974T>C, p.Leu325Pro (NM_003593.3); short protein forms L325P.
Identifiers: ClinVar variation 656631 (VCV000656631.5), dbSNP rs1597566470, ClinGen allele CA398324519.

ClinVar aggregate classification (germline): Likely pathogenic. Review status: reviewed by expert panel (3 of 4 stars). 3 submissions from 3 submitters: Likely pathogenic (1). 2 of the submissions do not count toward it. Last evaluated 2024-07-29.

Conditions:
T-cell immunodeficiency, congenital alopecia, and nail dystrophy. Also called: Congenital alopecia and nail dystrophy associated with severe functional T-cell immunodeficiency; Pignata Guarino syndrome. Identifiers: Orphanet 169095, MedGen C1866426, MONDO:0011132, OMIM 601705.

Allele frequency attached by ClinVar (database versions not stated): gnomAD exomes below 0.00001.
gnomAD v4.1: 1 of 1,614,050 alleles (0.000062%); highest among the groups gnomAD compares: Non-Finnish European, 0.000085%; no homozygotes.

Submissions (3):

ClinGen Severe Combined Immunodeficiency Variant Curation Expert Panel, ClinGen
Classification: Likely pathogenic for T-cell immunodeficiency, congenital alopecia, and nail dystrophy. Last evaluated: 2024-07-29. Review status: reviewed by expert panel. Criteria: ClinGen SCID ACMG Specifications FOXN1 V1.0.0. Collection method: curation. Allele origin: germline. Inheritance: Semidominant inheritance.
Comment: The NM_001369369.1(FOXN1):c.974T>C (p.Leu325Pro) missense variant has been reported in one heterozygous patient (P22), with T cell lymphopenia, however there was insufficient information to determine specificity to FOXN1-related disease (PMID: 31447097). The highest MAF in gnomADv4.0 is 0.000001313 (1/761890 alleles) in the European (non-Finnish) population which is below the <0.00002412 (PM2_supporting). It has a REVEL score of 0.992 (PP3_Moderate). The missense variant is located within the DNA binding forkhead domain (amino acids 270-367) at amino acid position 325 (PM1). A luciferase reporter construct was cotransfected into heterologous cells together with an expression vector containing FOXN1. The Leu325Pro variant had 2% luciferase activity compared to WT which is below the <50% threshold for PS3_moderate (PMID: 37419334). In summary this variant meets criteria to be classified as likely pathogenic for semidominant cell immunodeficiency, congenital alopecia, and nail dystrophy due to FOXN1 deficiency based on the ACMG/AMP criteria applied: PM1, PP3_moderate, PS3_moderate, PM2_supporting, as specified by the ClinGen SCID VCEP FOXN1 subgroup.

Victorian Clinical Genetics Services, Murdoch Childrens Research Institute
Classification: Likely pathogenic for T-cell immunodeficiency, congenital alopecia, and nail dystrophy. Last evaluated: 2025-04-04. Review status: criteria provided, single submitter. Criteria: ACMG Guidelines, 2015. Collection method: clinical testing. Allele origin: germline. Affected: yes. Not counted in ClinVar's aggregate classification.
Comment: This variant is classified as Likely pathogenic. Evidence in support of pathogenic classification: Variant is present in gnomAD <0.01 (v4: 1 heterozygote, 0 homozygotes); This variant has strong previous evidence of pathogenicity in unrelated individuals. This variant is classified likely pathogenic by an expert panel in ClinVar. There is at least one published case with an individual who is heterozygous for this variant, with disease consistent with but not specific to FOXN1 (PMID: 31447097); This variant has moderate functional evidence supporting abnormal protein function. In vitro experiments showed that this variant resulted in <2% luciferase activity in a luciferase reporter assay (PMID: 37419334). Additional information: Variant is predicted to result in a missense amino acid change from leucine to proline; This variant is heterozygous; This gene is associated with both recessive and dominant disease. Both mono- and biallelic variants are associated with T-cell immunodeficiency, congenital alopecia, and nail dystrophy (MONDO:0011132). Monoallelic variants are associated with milder disease (ClinGen); No published segregation evidence has been identified for this variant; No comparable missense variants have previous evidence for pathogenicity; Variant is located in the annotated Forkhead domain (DECIPHER); Loss of function is a known mechanism of disease in this gene and is associated with T-cell immunodeficiency, congenital alopecia, and nail dystrophy (MONDO:0011132); The condition associated with this gene has incomplete penetrance. Variants inherited from unaffected parents have been reported (PMID: 38800615).

Labcorp Genetics (formerly Invitae), Labcorp
Classification: Uncertain significance for T-cell immunodeficiency, congenital alopecia and nail dystrophy. Last evaluated: 2018-08-28. Review status: criteria provided, single submitter. Criteria: Invitae Variant Classification Sherloc (09022015). Collection method: clinical testing. Allele origin: germline. Not counted in ClinVar's aggregate classification.
Comment: This sequence change replaces leucine with proline at codon 325 of the FOXN1 protein (p.Leu325Pro). The leucine residue is highly conserved and there is a moderate physicochemical difference between leucine and proline. This variant is not present in population databases (ExAC no frequency). This variant has not been reported in the literature in individuals with FOXN1-related disease. Algorithms developed to predict the effect of missense changes on protein structure and function (SIFT, PolyPhen-2, Align-GVGD) all suggest that this variant is likely to be disruptive, but these predictions have not been confirmed by published functional studies and their clinical significance is uncertain. In summary, the available evidence is currently insufficient to determine the role of this variant in disease. Therefore, it has been classified as a Variant of Uncertain Significance.

Literature cited by the submitters: PubMed 38800615 (cited by Victorian Clinical Genetics Services, Murdoch Childrens Research Institute); PubMed 37419334 (cited by Victorian Clinical Genetics Services, Murdoch Childrens Research Institute); PubMed 31447097 (cited by Victorian Clinical Genetics Services, Murdoch Childrens Research Institute).